The following is an entry in ClinVar:

NC_000015.9:g.(?_50731261)_(50791295_?)dup

Gene: USP8 (ubiquitin specific peptidase 8; plus strand). Cytogenetic location: 15q21.2.
Variant type: Duplication.
Identifiers: ClinVar variation 1054348 (VCV001054348.5).

ClinVar aggregate classification (germline): Uncertain significance (1 of 4 stars; one submission).

Conditions:
Hereditary spastic paraplegia. Also called: Familial spastic paraparesis. Identifiers: Orphanet 685, MedGen C0037773, MONDO:0019064. Disease mechanism: loss of function.

Submission:

Labcorp Genetics (formerly Invitae), Labcorp
Classification: Uncertain significance for Hereditary spastic paraplegia. Last evaluated: 2021-07-13. Review status: criteria provided, single submitter. Criteria: Invitae Variant Classification Sherloc (09022015). Collection method: clinical testing. Allele origin: germline.
Comment: This variant results in a copy number gain of the genomic region encompassing the full coding sequence of the USP8 gene. The boundaries of this event are unknown as they extend beyond the assayed region for this gene and therefore may encompass additional genes. As the precise location of this event is unknown, it may be in tandem or it may be located elsewhere in the genome. This variant has not been reported in the literature in individuals with USP8-related conditions. In summary, the available evidence is currently insufficient to determine the role of this variant in disease. Therefore, it has been classified as a Variant of Uncertain Significance.